The following is an entry in ClinVar:

ClinVar aggregate classification (germline): Uncertain significance. Review status: criteria provided, multiple submitters, no conflicts (2 of 4 stars). 2 submissions from 2 submitters: Uncertain significance (2). Last evaluated 2019-09-26.

Conditions:
Nephronophthisis. Also called: Juvenile Nephronophthisis. Identifiers: Orphanet 655, MedGen C0687120, MONDO:0019005, HP:0000090.

gnomAD v4.1: 1 of 1,613,990 alleles (0.000062%); highest among the groups gnomAD compares: Admixed American, 0.0017%; no homozygotes.

Submissions (2):

Labcorp Genetics (formerly Invitae), Labcorp
Classification: Uncertain significance for Nephronophthisis. Last evaluated: 2019-09-26. Review status: criteria provided, single submitter. Criteria: Invitae Variant Classification Sherloc (09022015). Collection method: clinical testing. Allele origin: germline.
Comment: In summary, the available evidence is currently insufficient to determine the role of this variant in disease. Therefore, it has been classified as a Variant of Uncertain Significance. Algorithms developed to predict the effect of missense changes on protein structure and function output the following: SIFT: "Deleterious"; PolyPhen-2: "Benign"; Align-GVGD: "Class C0". The valine amino acid residue is found in multiple mammalian species, suggesting that this missense change does not adversely affect protein function. These predictions have not been confirmed by published functional studies and their clinical significance is uncertain. This variant has not been reported in the literature in individuals with INVS-related conditions. This variant is not present in population databases (ExAC no frequency). This sequence change replaces leucine with valine at codon 969 of the INVS protein (p.Leu969Val). The leucine residue is highly conserved and there is a small physicochemical difference between leucine and valine.

Blueprint Genetics
Classification: Uncertain significance. Last evaluated: 2018-06-12. Review status: criteria provided, single submitter. Criteria: ACMG Guidelines, 2015. Collection method: clinical testing. Allele origin: germline.

NM_014425.5(INVS):c.2905C>G (p.Leu969Val)

Gene: INVS (inversin; plus strand). Cytogenetic location: 9q31.1.
Variant type: single nucleotide variant.
Coding change: c.2905C>G on transcript NM_014425.5 (MANE Select); coding-DNA position 2905, C replaced by G.
Protein change: p.Leu969Val; replaces leucine 969 with valine.
Molecular consequence: missense variant. On other transcripts: non-coding transcript variant (1).
Genome position (GRCh38, 1-based): chr9:100,297,035, C>G. VCF-style: chr9-100297035-C-G. GRCh37 (hg19) VCF-style: chr9-103059317-C-G.
Other names: c.2617C>G, p.Leu873Val (NM_001318381.2); c.1927C>G, p.Leu643Val (NM_001318382.2); short protein forms L873V, L643V, L969V.
Identifiers: ClinVar variation 938732 (VCV000938732.10), dbSNP rs1833811478, ClinGen allele CA374245217.